The following is an entry in ClinVar:

NM_001567.4(INPPL1):c.3565C>T (p.Gln1189Ter)

Gene: INPPL1 (inositol polyphosphate phosphatase like 1; plus strand). Cytogenetic location: 11q13.4.
Variant type: single nucleotide variant.
Coding change: c.3565C>T on transcript NM_001567.4 (MANE Select); coding-DNA position 3565, C replaced by T.
Protein change: p.Gln1189Ter; replaces glutamine 1189 with a stop codon.
Molecular consequence: nonsense.
Genome position (GRCh38, 1-based): chr11:72,238,054, C>T. VCF-style: chr11-72238054-C-T. GRCh37 (hg19) VCF-style: chr11-71949098-C-T.
Other names: short protein forms Q1189*.
Identifiers: ClinVar variation 1069020 (VCV001069020.7), dbSNP rs2135449650, ClinGen allele CA381740091.

ClinVar aggregate classification (germline): Pathogenic (1 of 4 stars; one submission).

Submission:

Labcorp Genetics (formerly Invitae), Labcorp
Classification: Pathogenic. Last evaluated: 2017-05-03. Review status: criteria provided, single submitter. Criteria: Invitae Variant Classification Sherloc (09022015). Collection method: clinical testing. Allele origin: germline.
Comment: For these reasons, this variant has been classified as Pathogenic. Loss-of-function variants in INPPL1 are known to be pathogenic (PMID: 23273567, 23273569). This variant has not been reported in the literature in individuals with a INPPL1-related disease. This variant is not present in population databases (ExAC no frequency). This sequence change creates a premature translational stop signal (p.Gln1189*) in the INPPL1 gene. It is expected to result in an absent or disrupted protein product.

Literature cited by the submitters: PubMed 23273567; PubMed 23273569.